The following is an entry in ClinVar:

ClinVar aggregate classification (germline): Pathogenic (1 of 4 stars; one submission).

Submission:

Labcorp Genetics (formerly Invitae), Labcorp
Classification: Pathogenic. Last evaluated: 2024-05-18. Review status: criteria provided, single submitter. Criteria: Invitae Variant Classification Sherloc (09022015). Collection method: clinical testing. Allele origin: germline.
Comment: This sequence change creates a premature translational stop signal (p.Gly2004*) in the EYS gene. It is expected to result in an absent or disrupted protein product. Loss-of-function variants in EYS are known to be pathogenic (PMID: 18836446, 20333770). This variant is not present in population databases (gnomAD no frequency). This variant has not been reported in the literature in individuals affected with EYS-related conditions. For these reasons, this variant has been classified as Pathogenic.

Literature cited by the submitters: PubMed 18836446; PubMed 20333770.

NM_001142800.2(EYS):c.6010G>T (p.Gly2004Ter)

Gene: EYS (EGF-like photoreceptor maintenance factor; minus strand). Cytogenetic location: 6q12.
Variant type: single nucleotide variant.
Coding change: c.6010G>T on transcript NM_001142800.2 (MANE Select); coding-DNA position 6010, G replaced by T.
Protein change: p.Gly2004Ter; replaces glycine 2004 with a stop codon.
Molecular consequence: nonsense.
Genome position (GRCh38, 1-based): chr6:64,388,758, C>A on the plus strand (G>T on the coding strand, the complement: EYS is on the minus strand). VCF-style: chr6-64388758-C-A. GRCh37 (hg19) VCF-style: chr6-65098651-C-A.
Other names: c.6010G>T, p.Gly2004Ter (NM_001292009.2); short protein forms G2004*.
Identifiers: ClinVar variation 3678968 (VCV003678968.2).